The following is an entry in ClinVar:

ClinVar aggregate classification (germline): Uncertain significance (1 of 4 stars; one submission).

Conditions:
EPOR-related disorder. Also called: EPOR-related condition.

gnomAD v4.1: 105 of 1,541,514 alleles (0.0068%); highest among the groups gnomAD compares: Non-Finnish European, 0.0083%; no homozygotes.

Submission:

PreventionGenetics, part of Exact Sciences
Classification: Uncertain significance for EPOR-related condition. Last evaluated: 2026-04-25. Review status: criteria provided, single submitter. Criteria: ACMG Guidelines, 2015. Collection method: clinical testing. Allele origin: germline.
Comment: The EPOR c.115+5G>A variant is predicted to interfere with splicing. To our knowledge, this variant has not been reported in the literature. This variant is reported in 0.0082% of alleles in individuals of European (Non-Finnish) descent in gnomAD. At this time, the clinical significance of this variant is uncertain due to the absence of conclusive functional and genetic evidence.

NM_000121.4(EPOR):c.115+5G>A

Gene: EPOR (erythropoietin receptor; minus strand). Cytogenetic location: 19p13.2.
Variant type: single nucleotide variant.
Coding change: c.115+5G>A on transcript NM_000121.4 (MANE Select); 5 bases into the intron after coding-DNA position 115, G replaced by A.
Molecular consequence: intron variant.
Genome position (GRCh38, 1-based): chr19:11,384,088, C>T on the plus strand (G>A on the coding strand, the complement: EPOR is on the minus strand). VCF-style: chr19-11384088-C-T. GRCh37 (hg19) VCF-style: chr19-11494764-C-T.
Identifiers: ClinVar variation 4979825 (VCV004979825.1).